The following is an entry in ClinVar:

ClinVar aggregate classification (germline): Conflicting classifications of pathogenicity. Review status: criteria provided, conflicting classifications (1 of 4 stars). 8 submissions from 8 submitters: Likely pathogenic (1); Uncertain significance (7). Last evaluated 2025-10-06.

Conditions:
Cardiovascular phenotype. Identifiers: MedGen CN230736.
Familial hypobetalipoproteinemia 1. Also called: APOB-Related Familial Hypobetalipoproteinemia; Hypobetalipoproteinemia, normotriglyceridemic; Acanthocytosis with hypobetalipoproteinemia. Identifiers: MedGen C4551990, MONDO:0014252, OMIM 615558.
Hypercholesterolemia, autosomal dominant, type B (FHCL2). Also called: Familial Hypercholesterolemia Type B; Familial hypercholesterolemia 2; Hyperlipoproteinemia Type IIb; APOLIPOPROTEIN B-100, FAMILIAL DEFECTIVE; APOLIPOPROTEIN B-100, FAMILIAL LIGAND-DEFECTIVE; APOB-Related Familial Hypercholesterolemia, Autosomal Dominant. Identifiers: MedGen C1704417, MONDO:0007751, OMIM 144010.
Hypercholesterolemia, familial, 1. Also called: LDL RECEPTOR DISORDER; Hyperlipoproteinemia Type IIa; HYPER-LOW-DENSITY-LIPOPROTEINEMIA; HYPERCHOLESTEROLEMIC XANTHOMATOSIS, FAMILIAL; Fredrickson type IIa hyperlipoproteinemia; Hyperlipoproteinemia type 2. Identifiers: Orphanet 391665, MedGen C0745103, MONDO:0007750, OMIM 143890.

Allele frequency attached by ClinVar (database versions not stated): ExAC 0.00001.
gnomAD v4.1: 10 of 1,614,094 alleles (0.00062%); highest among the groups gnomAD compares: Admixed American, 0.0033%; no homozygotes.

Submissions (8):

Labcorp Genetics (formerly Invitae), Labcorp
Classification: Uncertain significance for Familial hypobetalipoproteinemia 1; Hypercholesterolemia, autosomal dominant, type B. Last evaluated: 2025-10-06. Review status: criteria provided, single submitter. Criteria: Invitae Variant Classification Sherloc (09022015). Collection method: clinical testing. Allele origin: germline.
Comment: This sequence change replaces arginine, which is basic and polar, with threonine, which is neutral and polar, at codon 1164 of the APOB protein (p.Arg1164Thr). This variant is present in population databases (rs759845943, gnomAD 0.003%). This missense change has been observed in individual(s) with APOB-related conditions (PMID: 24234650). ClinVar contains an entry for this variant (Variation ID: 265885). Invitae Evidence Modeling of protein sequence and biophysical properties (such as structural, functional, and spatial information, amino acid conservation, physicochemical variation, residue mobility, and thermodynamic stability) indicates that this missense variant is not expected to disrupt APOB protein function with a negative predictive value of 95%. Experimental studies have shown that this missense change affects APOB function (PMID: 24234650, 26643808). In summary, the available evidence is currently insufficient to determine the role of this variant in disease. Therefore, it has been classified as a Variant of Uncertain Significance.

Laboratorio de Genetica e Diagnostico Molecular, Hospital Israelita Albert Einstein
Classification: Uncertain significance for Hypercholesterolemia, familial, 1. Last evaluated: 2025-04-04. Review status: criteria provided, single submitter. Criteria: ACMG Guidelines, 2015. Collection method: clinical testing. Allele origin: germline.
Comment: ACMG classification criteria: PS3_sup, PS4_sup, PM2_sup, PP1_sup

Ambry Genetics
Classification: Uncertain significance for Cardiovascular phenotype. Last evaluated: 2024-08-05. Review status: criteria provided, single submitter. Criteria: Ambry Variant Classification Scheme 2023. Collection method: clinical testing. Allele origin: germline.
Comment: The p.R1164T variant (also known as c.3491G>C), located in coding exon 22 of the APOB gene, results from a G to C substitution at nucleotide position 3491. The arginine at codon 1164 is replaced by threonine, an amino acid with similar properties. This variant has been detected in individuals with features consistent with familial hypercholesterolemia (FH) (Alves AC et al. Hum Mol Genet, 2014 Apr;23:1817-28; Ambry internal data). In assays testing APOB function, this variant showed functionally abnormal results (Alves AC et al. Hum Mol Genet, 2014 Apr;23:1817-28; Fern&aacute;ndez-Higuero JA et al. Sci Rep, 2015 Dec;5:18184). This amino acid position is poorly conserved in available vertebrate species. In addition, this alteration is predicted to be tolerated by in silico analysis. Based on the available evidence, the clinical significance of this variant is unclear for autosomal dominant familial hypercholesterolemia; however, it is unlikely to be causative of autosomal recessive hypobetalipoproteinemia.

Blueprint Genetics
Classification: Uncertain significance. Last evaluated: 2023-12-21. Review status: criteria provided, single submitter. Criteria: ACMG Guidelines, 2015. Collection method: clinical testing. Allele origin: germline.

GeneDx
Classification: Uncertain significance. Last evaluated: 2022-12-14. Review status: criteria provided, single submitter. Criteria: GeneDx Variant Classification Process June 2021. Collection method: clinical testing. Allele origin: germline. Affected: yes.
Comment: In silico analysis supports that this missense variant does not alter protein structure/function; Not observed at significant frequency in large population cohorts (gnomAD); Published functional studies suggest a damaging effect on binding and internalization of LDL (Alves et al., 2014); This variant is associated with the following publications: (PMID: 26643808, 26020417, 24234650, 32719484)

Mendelics
Classification: Uncertain significance. Last evaluated: 2022-05-04. Review status: criteria provided, single submitter. Criteria: Mendelics Assertion Criteria 2019. Collection method: clinical testing. Allele origin: germline.

Cardiovascular Research Group, Instituto Nacional de Saude Doutor Ricardo Jorge
Classification: Uncertain significance for Familial hypercholesterolemia. Last evaluated: 2016-03-01. Review status: criteria provided, single submitter. Criteria: ACMG Guidelines, 2015. Collection method: research. Allele origin: germline. Affected: yes.
Comment: 0/176 non-FH alleles

Laboratory of Genetics and Molecular Cardiology, University of São Paulo
Classification: Likely pathogenic for Familial hypercholesterolemia. Last evaluated: 2016-03-01. Review status: criteria provided, single submitter. Criteria: ACMG Guidelines, 2015. Collection method: research. Allele origin: germline. Inheritance: Autosomal dominant inheritance. Study: HipercolBrasil.

Literature cited by the submitters: PubMed 24234650 (cited by 4 submitters); PubMed 26643808 (cited by Labcorp Genetics (formerly Invitae), Labcorp and Ambry Genetics); PubMed 33508743 (cited by Ambry Genetics).

NM_000384.3(APOB):c.3491G>C (p.Arg1164Thr)

Gene: APOB (apolipoprotein B; minus strand). Cytogenetic location: 2p24.1.
Variant type: single nucleotide variant.
Coding change: c.3491G>C on transcript NM_000384.3 (MANE Select); coding-DNA position 3491, G replaced by C.
Protein change: p.Arg1164Thr; replaces arginine 1164 with threonine.
Molecular consequence: missense variant.
Genome position (GRCh38, 1-based): chr2:21,015,387, C>G on the plus strand (G>C on the coding strand, the complement: APOB is on the minus strand). VCF-style: chr2-21015387-C-G. GRCh37 (hg19) VCF-style: chr2-21238259-C-G.
Other names: short protein forms R1164T.
Identifiers: ClinVar variation 265885 (VCV000265885.16), dbSNP rs759845943, ClinGen allele CA058940.